The following is an entry in ClinVar:

ClinVar aggregate classification (germline): Uncertain significance (1 of 4 stars; one submission).

Submission:

Ambry Genetics
Classification: Uncertain significance. Last evaluated: 2023-08-30. Review status: criteria provided, single submitter. Criteria: Ambry Variant Classification Scheme 2023. Collection method: clinical testing. Allele origin: germline.
Comment: The p.V1137A variant (also known as c.3410T>C), located in coding exon 4 of the ALPK2 gene, results from a T to C substitution at nucleotide position 3410. The valine at codon 1137 is replaced by alanine, an amino acid with similar properties. This amino acid position is conserved. In addition, this alteration is predicted to be tolerated by in silico analysis. Since supporting evidence is limited at this time, the clinical significance of this alteration remains unclear.

NM_052947.4(ALPK2):c.3410T>C (p.Val1137Ala)

Gene: ALPK2 (alpha kinase 2; minus strand). Cytogenetic location: 18q21.31.
Variant type: single nucleotide variant.
Coding change: c.3410T>C on transcript NM_052947.4 (MANE Select); coding-DNA position 3410, T replaced by C.
Protein change: p.Val1137Ala; replaces valine 1137 with alanine.
Molecular consequence: missense variant.
Genome position (GRCh38, 1-based): chr18:58,536,777, A>G on the plus strand (T>C on the coding strand, the complement: ALPK2 is on the minus strand). VCF-style: chr18-58536777-A-G. GRCh37 (hg19) VCF-style: chr18-56204009-A-G.
Other names: short protein forms V1137A.
Identifiers: ClinVar variation 2626030 (VCV002626030.2), dbSNP rs2518876509, ClinGen allele CA402567047.